The following is an entry in ClinVar:

ClinVar aggregate classification (germline): Likely benign. Review status: criteria provided, single submitter (1 of 4 stars). 2 submissions from 2 submitters: Likely benign (1). 1 of the submissions does not count toward it. Last evaluated 2026-01-05.

Conditions:
HELLS-related disorder. Also called: HELLS-related condition.

Allele frequency attached by ClinVar (database versions not stated): gnomAD exomes below 0.00001; gnomAD 0.00001.
gnomAD v4.1: 2 of 1,609,642 alleles (0.00012%); highest among the groups gnomAD compares: Non-Finnish European, 0.00017%; no homozygotes.

Submissions (2):

Labcorp Genetics (formerly Invitae), Labcorp
Classification: Likely benign. Last evaluated: 2026-01-05. Review status: criteria provided, single submitter. Criteria: Invitae Variant Classification Sherloc (09022015). Collection method: clinical testing. Allele origin: germline.

PreventionGenetics, part of Exact Sciences
Classification: Likely benign for HELLS-related condition. Last evaluated: 2019-04-02. Review status: no assertion criteria provided. Collection method: clinical testing. Allele origin: germline. Not counted in ClinVar's aggregate classification.
Comment: This variant is classified as likely benign based on ACMG/AMP sequence variant interpretation guidelines (Richards et al. 2015 PMID: 25741868, with internal and published modifications).

NM_018063.5(HELLS):c.1194C>T (p.Asn398=)

Gene: HELLS (helicase, lymphoid specific; plus strand). Cytogenetic location: 10q23.33.
Variant type: single nucleotide variant.
Coding change: c.1194C>T on transcript NM_018063.5 (MANE Select); coding-DNA position 1194, C replaced by T.
Protein change: p.Asn398=; no amino-acid change (asparagine 398 retained).
Molecular consequence: synonymous variant. On other transcripts: intron variant (3).
Genome position (GRCh38, 1-based): chr10:94,581,487, C>T. VCF-style: chr10-94581487-C-T. GRCh37 (hg19) VCF-style: chr10-96341244-C-T.
Other names: c.1194C>T, p.Asn398= (NM_001289067.2); c.1146C>T, p.Asn382= (NM_001289068.2); c.1098C>T, p.Asn366= (NM_001289069.2); c.822C>T, p.Asn274= (NM_001289071.2); c.780C>T, p.Asn260= (NM_001289073.2); c.111C>T, p.Asn37= (NM_001289074.2); c.12-1476C>T (NM_001289075.2); c.1032+4682C>T (NM_001289070.2); and 2 more.
Identifiers: ClinVar variation 1899235 (VCV001899235.7), dbSNP rs377597586, ClinGen allele CA211668338.